The following is an entry in ClinVar:

ClinVar aggregate classification (germline): Uncertain significance. Review status: criteria provided, multiple submitters, no conflicts (2 of 4 stars). 3 submissions from 3 submitters: Uncertain significance (3). Last evaluated 2026-01-09.

Conditions:
Hereditary cancer-predisposing syndrome. Also called: Neoplastic Syndromes, Hereditary; Tumor predisposition; Hereditary Cancer Syndrome; Hereditary neoplastic syndrome. Identifiers: Orphanet 140162, MedGen C0027672, MeSH D009386, MONDO:0015356.
Oligodontia-cancer predisposition syndrome. Also called: TOOTH AGENESIS-COLORECTAL CANCER SYNDROME. Identifiers: Orphanet 300576, MedGen C1837750, MONDO:0012075, OMIM 608615. Disease mechanism: loss of function.

Allele frequency attached by ClinVar (database versions not stated): gnomAD exomes below 0.00001.
gnomAD v4.1: 1 of 1,613,000 alleles (0.000062%); highest among the groups gnomAD compares: African/African-American, 0.0013%; no homozygotes.

Submissions (3):

Ambry Genetics
Classification: Uncertain significance for Hereditary cancer-predisposing syndrome. Last evaluated: 2026-01-09. Review status: criteria provided, single submitter. Criteria: Ambry Variant Classification Scheme 2023. Collection method: clinical testing. Allele origin: germline.
Comment: The p.A21T variant (also known as c.61G>A), located in coding exon 1 of the AXIN2 gene, results from a G to A substitution at nucleotide position 61. The alanine at codon 21 is replaced by threonine, an amino acid with similar properties. This amino acid position is highly conserved in available vertebrate species. In addition, the in silico prediction for this alteration is inconclusive. Based on the available evidence, the clinical significance of this variant remains unclear.

Labcorp Genetics (formerly Invitae), Labcorp
Classification: Uncertain significance for Oligodontia-cancer predisposition syndrome. Last evaluated: 2025-05-26. Review status: criteria provided, single submitter. Criteria: Invitae Variant Classification Sherloc (09022015). Collection method: clinical testing. Allele origin: germline.
Comment: This sequence change replaces alanine, which is neutral and non-polar, with threonine, which is neutral and polar, at codon 21 of the AXIN2 protein (p.Ala21Thr). This variant is not present in population databases (gnomAD no frequency). This variant has not been reported in the literature in individuals affected with AXIN2-related conditions. ClinVar contains an entry for this variant (Variation ID: 1406896). Invitae Evidence Modeling of protein sequence and biophysical properties (such as structural, functional, and spatial information, amino acid conservation, physicochemical variation, residue mobility, and thermodynamic stability) has been performed for this missense variant. However, the output from this modeling did not meet the statistical confidence thresholds required to predict the impact of this variant on AXIN2 protein function. In summary, the available evidence is currently insufficient to determine the role of this variant in disease. Therefore, it has been classified as a Variant of Uncertain Significance.

GeneDx
Classification: Uncertain significance. Last evaluated: 2024-07-30. Review status: criteria provided, single submitter. Criteria: GeneDx Variant Classification Process June 2021. Collection method: clinical testing. Allele origin: germline. Affected: yes.
Comment: Not observed at significant frequency in large population cohorts (gnomAD); In silico analysis supports that this missense variant has a deleterious effect on protein structure/function; Has not been previously published as pathogenic or benign to our knowledge

NM_004655.4(AXIN2):c.61G>A (p.Ala21Thr)

Gene: AXIN2 (axin 2; minus strand). Cytogenetic location: 17q24.1.
Variant type: single nucleotide variant.
Coding change: c.61G>A on transcript NM_004655.4 (MANE Select); coding-DNA position 61, G replaced by A.
Protein change: p.Ala21Thr; replaces alanine 21 with threonine.
Molecular consequence: missense variant.
Genome position (GRCh38, 1-based): chr17:65,558,560, C>T on the plus strand (G>A on the coding strand, the complement: AXIN2 is on the minus strand). VCF-style: chr17-65558560-C-T. GRCh37 (hg19) VCF-style: chr17-63554678-C-T.
Other names: c.61G>A (NM_004655.3); c.61G>A, p.Ala21Thr (NM_001363813.1); short protein forms A21T.
Identifiers: ClinVar variation 1406896 (VCV001406896.8), dbSNP rs2144591783, ClinGen allele CA400682320.